The following is an entry in ClinVar:

ClinVar aggregate classification (germline): Pathogenic (1 of 4 stars; one submission).

Allele frequency attached by ClinVar (database versions not stated): gnomAD exomes below 0.00001; TOPMed 0.00002.
gnomAD v4.1: 5 of 1,557,422 alleles (0.00032%); highest among the groups gnomAD compares: Admixed American, 0.0017%; no homozygotes.

Submission:

Labcorp Genetics (formerly Invitae), Labcorp
Classification: Pathogenic. Last evaluated: 2024-07-23. Review status: criteria provided, single submitter. Criteria: Invitae Variant Classification Sherloc (09022015). Collection method: clinical testing. Allele origin: germline.
Comment: This sequence change replaces phenylalanine, which is neutral and non-polar, with leucine, which is neutral and non-polar, at codon 515 of the SLC26A4 protein (p.Phe515Leu). This variant is not present in population databases (gnomAD no frequency). This missense change has been observed in individual(s) with deafness (PMID: 34943614). In at least one individual the data is consistent with being in trans (on the opposite chromosome) from a pathogenic variant. It has also been observed to segregate with disease in related individuals. An algorithm developed to predict the effect of missense changes on protein structure and function (PolyPhen-2) suggests that this variant is likely to be disruptive. For these reasons, this variant has been classified as Pathogenic.

Literature cited by the submitters: PubMed 34943614.

NM_000441.2(SLC26A4):c.1543T>C (p.Phe515Leu)

Gene: SLC26A4 (solute carrier family 26 member 4; plus strand). Cytogenetic location: 7q22.3.
Variant type: single nucleotide variant.
Coding change: c.1543T>C on transcript NM_000441.2 (MANE Select); coding-DNA position 1543, T replaced by C.
Protein change: p.Phe515Leu; replaces phenylalanine 515 with leucine.
Molecular consequence: missense variant.
Genome position (GRCh38, 1-based): chr7:107,696,038, T>C. VCF-style: chr7-107696038-T-C. GRCh37 (hg19) VCF-style: chr7-107336483-T-C.
Other names: short protein forms F515L.
Identifiers: ClinVar variation 2902245 (VCV002902245.3), dbSNP rs1019021563, ClinGen allele CA164215299.